The following is an entry in ClinVar:

NM_203475.2(PORCN):c.138delG

Gene: PORCN (porcupine O-acyltransferase; plus strand). Cytogenetic location: Xp11.23.
Variant type: Deletion.
Coding change: c.138delG on transcript NM_203475.2; coding-DNA position 138, one base deleted (G).
Molecular consequence: intron variant (on NM_001441336.1).
Genome position (GRCh38, 1-based): chrX:48,511,296, G deleted; the last of 3 consecutive G bases (chrX:48,511,294-48,511,296); deleting any one gives the same sequence. VCF-style (leftmost placement, unchanged base first): chrX-48511293-AG-A. GRCh37 (hg19) VCF-style: chrX-48369681-AG-A.
Other names: c.400-70del (NM_001441336.1); c.-6-70del (NM_001282167.2).
Identifiers: ClinVar variation 4992035 (VCV004992035.1).

ClinVar aggregate classification (germline): Likely pathogenic (1 of 4 stars; one submission).

Conditions:
PORCN-related disorder. Also called: PORCN-related condition.

Submission:

PreventionGenetics, part of Exact Sciences
Classification: Likely pathogenic for PORCN-related condition. Last evaluated: 2026-07-29. Review status: criteria provided, single submitter. Criteria: ACMG Guidelines, 2015. Collection method: clinical testing. Allele origin: germline.
Comment: The PORCN c.138delG variant is predicted to result in a frameshift and premature protein termination (p.Leu47Cysfs*5). To our knowledge, this variant has not been reported in the literature or in a large population database (gnomAD), indicating this variant is rare. Frameshift variants in PORCN are expected to be pathogenic. This variant is interpreted as likely pathogenic.